The following is an entry in ClinVar:

ClinVar aggregate classification (germline): Likely benign (1 of 4 stars; one submission).

gnomAD v4.1: 3 of 1,614,236 alleles (0.00019%); highest among the groups gnomAD compares: Non-Finnish European, 0.00017%; no homozygotes.

Submission:

CeGaT Center for Human Genetics Tuebingen
Classification: Likely benign. Last evaluated: 2025-09-01. Review status: criteria provided, single submitter. Criteria: CeGaT Center For Human Genetics Tuebingen Variant Classification Criteria Version 2. Collection method: clinical testing. Allele origin: germline. Affected: yes. Observed: 1 variant allele.
Comment: ZFYVE26: BP4, BP7

NM_015346.4(ZFYVE26):c.5034C>T (p.Pro1678=)

Gene: ZFYVE26 (zinc finger FYVE-type containing 26; minus strand). Cytogenetic location: 14q24.1.
Variant type: single nucleotide variant.
Coding change: c.5034C>T on transcript NM_015346.4 (MANE Select); coding-DNA position 5034, C replaced by T.
Protein change: p.Pro1678=; no amino-acid change (proline 1678 retained).
Molecular consequence: synonymous variant.
Genome position (GRCh38, 1-based): chr14:67,776,047, G>A on the plus strand (C>T on the coding strand, the complement: ZFYVE26 is on the minus strand). VCF-style: chr14-67776047-G-A. GRCh37 (hg19) VCF-style: chr14-68242764-G-A.
Identifiers: ClinVar variation 4281406 (VCV004281406.7).
Genomic context (GRCh38, chr14:67,776,047, plus strand): 5'-CACAGCCACAGTGGCCCAATCCACCTTCATGTTCATAAGCAGCTGCTCCAGCATGAACAG[G>A]GGGTTAGAGGACAAGTGGGAATAGCTGGCCCGGTGCTGCTCAGGCAGGGTCAGCAGAATC-3'
Protein context (NP_056161.2, residues 1668-1688): RASYSHLSSN[Pro1678=]LFMLEQLLMN